The following is an entry in ClinVar:

ClinVar aggregate classification (germline): Benign/Likely benign. Review status: criteria provided, multiple submitters, no conflicts (2 of 4 stars). 3 submissions from 3 submitters: Benign (1); Likely benign (1). 1 of the submissions does not count toward it. Last evaluated 2025-09-03.

Conditions:
LAMA5-related disorder. Also called: LAMA5-Related Disorders; LAMA5-related condition.

Allele frequency attached by ClinVar (database versions not stated): TOPMed 0.00049; gnomAD 0.00053 and 0.00061; ESP Exome Variant Server 0.00054; gnomAD exomes 0.00082 and 0.00103; 1000 Genomes Project 30x 0.00094; 1000 Genomes Project 0.00100; ExAC 0.00129.
gnomAD v4.1: 1,553 of 1,607,476 alleles (0.097%); highest among the groups gnomAD compares: South Asian, 0.23%; 4 homozygotes.

Submissions (3):

Labcorp Genetics (formerly Invitae), Labcorp
Classification: Benign. Last evaluated: 2025-09-03. Review status: criteria provided, single submitter. Criteria: Invitae Variant Classification Sherloc (09022015). Collection method: clinical testing. Allele origin: germline.

Blueprint Genetics
Classification: Likely benign. Last evaluated: 2024-11-28. Review status: criteria provided, single submitter. Criteria: ACMG Guidelines, 2015. Collection method: clinical testing. Allele origin: germline.

PreventionGenetics, part of Exact Sciences
Classification: Likely benign for LAMA5-related condition. Last evaluated: 2023-08-01. Review status: no assertion criteria provided. Collection method: clinical testing. Allele origin: germline. Not counted in ClinVar's aggregate classification.
Comment: This variant is classified as likely benign based on ACMG/AMP sequence variant interpretation guidelines (Richards et al. 2015 PMID: 25741868, with internal and published modifications).

NM_005560.6(LAMA5):c.9183C>T (p.Asp3061=)

Gene: LAMA5 (laminin subunit alpha 5; minus strand). Cytogenetic location: 20q13.33.
Variant type: single nucleotide variant.
Coding change: c.9183C>T on transcript NM_005560.6 (MANE Select); coding-DNA position 9183, C replaced by T.
Protein change: p.Asp3061=; no amino-acid change (aspartic acid 3061 retained).
Molecular consequence: synonymous variant.
Genome position (GRCh38, 1-based): chr20:62,312,676, G>A on the plus strand (C>T on the coding strand, the complement: LAMA5 is on the minus strand). VCF-style: chr20-62312676-G-A. GRCh37 (hg19) VCF-style: chr20-60887732-G-A.
Other names: c.9183C>T (NM_005560.4).
Identifiers: ClinVar variation 1531538 (VCV001531538.11), dbSNP rs145862467, ClinGen allele CA9940393.